The following is an entry in ClinVar:

NM_000130.5(F5):c.6305G>A (p.Arg2102His)

Gene: F5 (coagulation factor V; minus strand). Cytogenetic location: 1q24.2.
Variant type: single nucleotide variant.
Coding change: c.6305G>A on transcript NM_000130.5 (MANE Select); coding-DNA position 6305, G replaced by A.
Protein change: p.Arg2102His; replaces arginine 2102 with histidine.
Molecular consequence: missense variant.
Genome position (GRCh38, 1-based): chr1:169,518,452, C>T on the plus strand (G>A on the coding strand, the complement: F5 is on the minus strand). VCF-style: chr1-169518452-C-T. GRCh37 (hg19) VCF-style: chr1-169487690-C-T.
Other names: short protein forms R2102H.
Identifiers: ClinVar variation 3907146 (VCV003907146.2).
Genomic context (GRCh38, chr1:169,518,452, plus strand): 5'-ATGCATAGAGTATACTTGACCTTGGCTTGCCAGGCATTCACACGTCCCTGGGCATTCAGA[C>T]GGGCACGGAAGGGTTCCCAGTAATCTCCCCACCAAGATTTCTTAAACGAAGAAGCTGTGA-3'
Protein context (NP_000121.2, residues 2092-2112): WGDYWEPFRA[Arg2102His]LNAQGRVNAW

ClinVar aggregate classification (germline): Pathogenic/Likely pathogenic. Review status: criteria provided, multiple submitters, no conflicts (2 of 4 stars). 2 submissions from 2 submitters: Pathogenic (1); Likely pathogenic (1). Last evaluated 2025-06-13.

Conditions:
F5-related disorders.
Congenital factor V deficiency. Also called: LABILE FACTOR DEFICIENCY; OWREN PARAHEMOPHILIA; PARAHEMOPHILIA; Hereditary factor V deficiency disease. Identifiers: Orphanet 326, MedGen C0015499, MONDO:0009210, OMIM 227400.

Submissions (2):

Women's Health and Genetics/Laboratory Corporation of America, LabCorp
Classification: Pathogenic for Congenital factor V deficiency. Last evaluated: 2025-06-13. Review status: criteria provided, single submitter. Criteria: LabCorp Variant Classification Summary - May 2015. Collection method: clinical testing. Allele origin: germline.
Comment: Variant summary: F5 c.6305G>A (p.Arg2102His) results in a non-conservative amino acid change in the encoded protein sequence. Algorithms developed to predict the effect of missense changes on protein structure and function all suggest that this variant is likely to be disruptive. The variant was absent in 251100 control chromosomes. c.6305G>A has been observed in the homozygous and compound heterozygous state in multiple individuals affected with Factor V Deficiency (Janicki_2013, DalOsso_2008, Paraboschi_2020, Schrijver_2002). These data indicate that the variant is very likely to be associated with disease. To our knowledge, no experimental evidence demonstrating an impact on protein function has been reported. This variant is also known as R2074H. The following publications have been ascertained in the context of this evaluation (PMID: 18728029, 23662219, 31399523, 11858490). No submitters have cited clinical-significance assessments for this variant to ClinVar. To our knowledge, this variant has not been reported in individuals with autosomal dominant thrombophilia. Based on the evidence outlined above, the variant was classified as pathogenic for autosomal recessive Factor V Deficiency.

Blueprint Genetics
Classification: Likely pathogenic for F5-related disorders. Last evaluated: 2018-04-12. Review status: criteria provided, single submitter. Criteria: ACMG Guidelines, 2015. Collection method: clinical testing. Allele origin: germline. Affected: yes. Observed: 2 variant alleles.

Literature cited by the submitters: PubMed 31399523 (cited by Women's Health and Genetics/Laboratory Corporation of America, LabCorp); PubMed 18728029 (cited by Women's Health and Genetics/Laboratory Corporation of America, LabCorp); PubMed 23662219 (cited by Women's Health and Genetics/Laboratory Corporation of America, LabCorp); PubMed 11858490 (cited by Women's Health and Genetics/Laboratory Corporation of America, LabCorp).